The following is an entry in ClinVar:

ClinVar aggregate classification (germline): Uncertain significance. Review status: criteria provided, multiple submitters, no conflicts (2 of 4 stars). 2 submissions from 2 submitters: Uncertain significance (2). Last evaluated 2024-04-04.

Conditions:
Charcot-Marie-Tooth disease type 4. Also called: Charcot-Marie-Tooth disease, type IV; Charcot-Marie-Tooth, Type 4. Identifiers: Orphanet 64749, MedGen C4082197, MONDO:0018995.

Submissions (2):

Blueprint Genetics
Classification: Uncertain significance. Last evaluated: 2024-04-04. Review status: criteria provided, single submitter. Criteria: ACMG Guidelines, 2015. Collection method: clinical testing. Allele origin: germline.

Labcorp Genetics (formerly Invitae), Labcorp
Classification: Uncertain significance for Charcot-Marie-Tooth disease type 4. Last evaluated: 2022-09-15. Review status: criteria provided, single submitter. Criteria: Invitae Variant Classification Sherloc (09022015). Collection method: clinical testing. Allele origin: germline.
Comment: This variant, c.415_417del, results in the deletion of 1 amino acid(s) of the SH3TC2 protein (p.Leu139del), but otherwise preserves the integrity of the reading frame. The frequency data for this variant in the population databases is considered unreliable, as metrics indicate poor data quality at this position in the gnomAD database. This variant has been observed in individual(s) with Charcot-Marie-Tooth disease (PMID: 31211173). Experimental studies and prediction algorithms are not available or were not evaluated, and the functional significance of this variant is currently unknown. In summary, the available evidence is currently insufficient to determine the role of this variant in disease. Therefore, it has been classified as a Variant of Uncertain Significance.

Literature cited by the submitters: PubMed 31211173 (cited by Labcorp Genetics (formerly Invitae), Labcorp).

NM_024577.4(SH3TC2):c.412CTC[1] (p.Leu139del)

Gene: SH3TC2 (SH3 domain and tetratricopeptide repeats 2; minus strand). Cytogenetic location: 5q32.
Variant type: Microsatellite.
Coding change: c.412CTC[1] on transcript NM_024577.4 (MANE Select); one copy of the 3-base unit CTC starting at c.412; the reference has two copies in a row; one copy, 3 bases deleted.
Protein change: p.Leu139del; deletes leucine 139.
Molecular consequence: inframe deletion.
Genome position (GRCh38, 1-based): chr5:149,042,806-149,042,808, GAG deleted on the plus strand (CTC on the coding strand, the reverse complement: SH3TC2 is on the minus strand); deleting any 3 consecutive bases within chr5:149,042,806-149,042,811 gives the same sequence; the position shown is the placement nearest the transcript's 3' end. VCF-style (leftmost placement, unchanged base first): chr5-149042805-AGAG-A. GRCh37 (hg19) VCF-style: chr5-148422368-AGAG-A.
Other names: short protein forms L139del.
Identifiers: ClinVar variation 2180317 (VCV002180317.2), dbSNP rs1304211092, ClinGen allele CA563535159.